The following is an entry in ClinVar:

ClinVar aggregate classification (germline): Uncertain significance (1 of 4 stars; one submission).

Submission:

Labcorp Genetics (formerly Invitae), Labcorp
Classification: Uncertain significance. Last evaluated: 2021-09-19. Review status: criteria provided, single submitter. Criteria: Invitae Variant Classification Sherloc (09022015). Collection method: clinical testing. Allele origin: germline.
Comment: This sequence change replaces proline with serine at codon 61 of the MMP2 protein (p.Pro61Ser). The proline residue is highly conserved and there is a moderate physicochemical difference between proline and serine. In summary, the available evidence is currently insufficient to determine the role of this variant in disease. Therefore, it has been classified as a Variant of Uncertain Significance. Algorithms developed to predict the effect of missense changes on protein structure and function (SIFT, PolyPhen-2, Align-GVGD) all suggest that this variant is likely to be tolerated. This variant has not been reported in the literature in individuals affected with MMP2-related conditions. This variant is not present in population databases (ExAC no frequency).

NM_004530.6(MMP2):c.181C>T (p.Pro61Ser)

Gene: MMP2 (matrix metallopeptidase 2; plus strand). Cytogenetic location: 16q12.2.
Variant type: single nucleotide variant.
Coding change: c.181C>T on transcript NM_004530.6 (MANE Select); coding-DNA position 181, C replaced by T.
Protein change: p.Pro61Ser; replaces proline 61 with serine.
Molecular consequence: missense variant. On other transcripts: 5 prime UTR variant (3).
Genome position (GRCh38, 1-based): chr16:55,482,936, C>T. VCF-style: chr16-55482936-C-T. GRCh37 (hg19) VCF-style: chr16-55516848-C-T.
Other names: c.31C>T, p.Pro11Ser (NM_001127891.3); c.-48C>T (NM_001302508.1, NM_001302509.2, NM_001302510.2); short protein forms P61S, P11S.
Identifiers: ClinVar variation 1382342 (VCV001382342.6), dbSNP rs2142344252, ClinGen allele CA395931376.